The following is an entry in ClinVar:

ClinVar aggregate classification (germline): Likely benign. Review status: criteria provided, multiple submitters, no conflicts (2 of 4 stars). 4 submissions from 4 submitters: Likely benign (3). 1 of the submissions does not count toward it. Last evaluated 2025-12-30.

Conditions:
IL6ST-related disorder. Also called: IL6ST-related condition.

Allele frequency attached by ClinVar (database versions not stated): gnomAD 0.00003 and 0.00004; TOPMed 0.00004; gnomAD exomes 0.00011 and 0.00019; ESP Exome Variant Server 0.00015; ExAC 0.00023.
gnomAD v4.1: 162 of 1,613,996 alleles (0.01%); highest among the groups gnomAD compares: South Asian, 0.081%; no homozygotes.

Submissions (4):

Labcorp Genetics (formerly Invitae), Labcorp
Classification: Likely benign. Last evaluated: 2025-12-30. Review status: criteria provided, single submitter. Criteria: Invitae Variant Classification Sherloc (09022015). Collection method: clinical testing. Allele origin: germline.

Blueprint Genetics
Classification: Likely benign. Last evaluated: 2024-06-17. Review status: criteria provided, single submitter. Criteria: ACMG Guidelines, 2015. Collection method: clinical testing. Allele origin: germline.

Breakthrough Genomics
Classification: Likely benign. Review status: criteria provided, single submitter. Criteria: ACMG Guidelines, 2015. Collection method: not provided. Allele origin: germline. Inheritance: Autosomal recessive inheritance. Affected: yes.

PreventionGenetics, part of Exact Sciences
Classification: Likely benign for IL6ST-related condition. Last evaluated: 2024-02-22. Review status: no assertion criteria provided. Collection method: clinical testing. Allele origin: germline. Not counted in ClinVar's aggregate classification.
Comment: This variant is classified as likely benign based on ACMG/AMP sequence variant interpretation guidelines (Richards et al. 2015 PMID: 25741868, with internal and published modifications).

NM_002184.4(IL6ST):c.2166A>G (p.Glu722=)

Gene: IL6ST (interleukin 6 cytokine family signal transducer; minus strand). Cytogenetic location: 5q11.2.
Variant type: single nucleotide variant.
Coding change: c.2166A>G on transcript NM_002184.4 (MANE Select); coding-DNA position 2166, A replaced by G.
Protein change: p.Glu722=; no amino-acid change (glutamic acid 722 retained).
Molecular consequence: synonymous variant. On other transcripts: 3 prime UTR variant (1), non-coding transcript variant (2).
Genome position (GRCh38, 1-based): chr5:55,941,673, T>C on the plus strand (A>G on the coding strand, the complement: IL6ST is on the minus strand). VCF-style: chr5-55941673-T-C. GRCh37 (hg19) VCF-style: chr5-55237501-T-C.
Other names: c.2166A>G (NM_002184.3); c.1983A>G, p.Glu661= (NM_001190981.2); c.2064A>G, p.Glu688= (NM_001364275.2); c.1956A>G, p.Glu652= (NM_001364276.2); c.1299A>G, p.Glu433= (NM_001364277.2); c.1263A>G, p.Glu421= (NM_001364278.2); c.1170A>G, p.Glu390= (NM_001364279.2); c.*1093A>G (NM_175767.3).
Identifiers: ClinVar variation 1561209 (VCV001561209.12), dbSNP rs146333104, ClinGen allele CA3271193.
Genomic context (GRCh38, chr5:55,941,673, plus strand): 5'-AGAAATGCTTGGCCTAGAAGATGACATGCATGAAGACCCCCCAATACCACTGCTGTGTCC[T>C]TCAGTATTAATTTTTTCCTTTTTGAACAGGTCCAATGATTTCAGATCTTCTGGAAAAGGC-3'
Protein context (NP_002175.2, residues 712-732): DLFKKEKINT[Glu722=]GHSSGIGGSS